The following is an entry in ClinVar:

ClinVar aggregate classification (germline): Uncertain significance (1 of 4 stars; one submission).

gnomAD v4.1: 12 of 1,595,906 alleles (0.00075%); highest among the groups gnomAD compares: Admixed American, 0.0035%; no homozygotes.

Submission:

Ambry Genetics
Classification: Uncertain significance. Last evaluated: 2026-04-14. Review status: criteria provided, single submitter. Criteria: Ambry Variant Classification Scheme 2023. Collection method: clinical testing. Allele origin: germline.
Comment: The c.9839T>G (p.F3280C) alteration is located in exon 26 (coding exon 26) of the ABCA13 gene. This alteration results from a T to G substitution at nucleotide position 9839, causing the phenylalanine (F) at amino acid position 3280 to be replaced by a cysteine (C). Based on data from gnomAD, the G allele has an overall frequency of 0.001% (3/250404) total alleles studied. The highest observed frequency was 0.015% (1/6608) of Other alleles. Based on insufficient or conflicting evidence, the clinical significance of this alteration remains unclear.

NM_152701.5(ABCA13):c.9839T>G (p.Phe3280Cys)

Gene: ABCA13 (ATP binding cassette subfamily A member 13; plus strand). Cytogenetic location: 7p12.3.
Variant type: single nucleotide variant.
Coding change: c.9839T>G on transcript NM_152701.5 (MANE Select); coding-DNA position 9839, T replaced by G.
Protein change: p.Phe3280Cys; replaces phenylalanine 3280 with cysteine.
Molecular consequence: missense variant.
Genome position (GRCh38, 1-based): chr7:48,314,389, T>G. VCF-style: chr7-48314389-T-G. GRCh37 (hg19) VCF-style: chr7-48353986-T-G.
Other names: short protein forms F3280C.
Identifiers: ClinVar variation 4870022 (VCV004870022.1).
Genomic context (GRCh38, chr7:48,314,389, plus strand): 5'-CTAATATGTTTATTAATTTGCCCAGAGTTAAGGAACTCTTGGAAGATGACAAAGAAAAAT[T>G]CAACATTCCTGAAGATTCAAGTAAGACAGTAGTAATATATATATATGTGTTTAGATTCGT-3'
Protein context (NP_689914.3, residues 3270-3290): KELLEDDKEK[Phe3280Cys]NIPEDSTPFC